The following is an entry in ClinVar:

ClinVar aggregate classification (germline): Pathogenic. Review status: criteria provided, single submitter (1 of 4 stars). 2 submissions from 2 submitters: Pathogenic (1). 1 of the submissions does not count toward it. Last evaluated 2025-08-17.

Conditions:
Neuropathy, hereditary sensory and autonomic, type 2A (HSAN2A). Also called: HSAN IIA; ACROOSTEOLYSIS, GIACCAI TYPE; ACROOSTEOLYSIS, NEUROGENIC; MORVAN DISEASE; NEUROPATHY, CONGENITAL SENSORY; NEUROPATHY, HEREDITARY SENSORY RADICULAR, AUTOSOMAL RECESSIVE. Identifiers: Orphanet 970, MedGen C2752089, MONDO:0024309, OMIM 201300.
Generalized epilepsy with febrile seizures plus, type 7 (GEFSP7). Also called: GEFS+, TYPE 7. Identifiers: Orphanet 36387, MedGen C2751778, MONDO:0013470, OMIM 613863.
Paroxysmal extreme pain disorder (PEXPD). Also called: RECTAL PAIN, FAMILIAL; PAIN, SUBMANDIBULAR, OCULAR, AND RECTAL, WITH FLUSHING; SCN9A Paroxysmal Extreme Pain Disorder (SCN9A-PEPD). Identifiers: Orphanet 46348, MedGen C1833661, MONDO:0008179, OMIM 167400.

Submissions (2):

Labcorp Genetics (formerly Invitae), Labcorp
Classification: Pathogenic for Neuropathy, hereditary sensory and autonomic, type 2A; Generalized epilepsy with febrile seizures plus, type 7. Last evaluated: 2025-08-17. Review status: criteria provided, single submitter. Criteria: Invitae Variant Classification Sherloc (09022015). Collection method: clinical testing. Allele origin: germline.
Comment: This sequence change replaces threonine, which is neutral and polar, with isoleucine, which is neutral and non-polar, at codon 1464 of the SCN9A protein (p.Thr1464Ile). This variant is not present in population databases (gnomAD no frequency). This missense change has been observed in individual(s) with autosomal dominant paroxysmal extreme pain disorder (PEXPD) (PMID: 17145499). It has also been observed to segregate with disease in related individuals. ClinVar contains an entry for this variant (Variation ID: 6361). Invitae Evidence Modeling of protein sequence and biophysical properties (such as structural, functional, and spatial information, amino acid conservation, physicochemical variation, residue mobility, and thermodynamic stability) has been performed for this missense variant. However, the output from this modeling did not meet the statistical confidence thresholds required to predict the impact of this variant on SCN9A protein function. Experimental studies have shown that this missense change affects SCN9A function (PMID: 17145499, 18803825). For these reasons, this variant has been classified as Pathogenic.

OMIM
Classification: Pathogenic for PAROXYSMAL EXTREME PAIN DISORDER. Last evaluated: 2006-12-07. Review status: no assertion criteria provided. Collection method: literature only. Allele origin: germline. Not counted in ClinVar's aggregate classification.

Literature cited by the submitters: PubMed 17145499 (cited by Labcorp Genetics (formerly Invitae), Labcorp and OMIM); PubMed 18803825 (cited by Labcorp Genetics (formerly Invitae), Labcorp).

NM_001365536.1(SCN9A):c.4424C>T (p.Thr1475Ile)

Genes: SCN1A-AS1 (SCN1A and SCN9A antisense RNA 1; plus strand), SCN9A (sodium voltage-gated channel alpha subunit 9; minus strand). Cytogenetic location: 2q24.3.
Variant type: single nucleotide variant.
Coding change: c.4424C>T on transcript NM_001365536.1 (MANE Select); coding-DNA position 4424, C replaced by T.
Protein change: p.Thr1475Ile; replaces threonine 1475 with isoleucine.
Molecular consequence: missense variant.
Genome position (GRCh38, 1-based): chr2:166,204,439, G>A on the plus strand (C>T on the coding strand, the complement: SCN9A is on the minus strand). VCF-style: chr2-166204439-G-A. GRCh37 (hg19) VCF-style: chr2-167060949-G-A.
Other names: c.4391C>T, p.Thr1464Ile (NM_002977.4); short protein forms T1464I, T1475I.
Identifiers: ClinVar variation 6361 (VCV000006361.3), dbSNP rs121908915, ClinGen allele CA118155.